The following is an entry in ClinVar:

ClinVar aggregate classification (germline): Uncertain significance (1 of 4 stars; one submission).

Conditions:
Familial hemophagocytic lymphohistiocytosis 2 (FHL2). Also called: PRF1-Related Familial Hemophagocytic Lymphohistiocytosis (PRF1-fHLH). Identifiers: Orphanet 540, MedGen C1863727, MONDO:0011337, OMIM 603553.

Submission:

Labcorp Genetics (formerly Invitae), Labcorp
Classification: Uncertain significance for Familial hemophagocytic lymphohistiocytosis 2. Last evaluated: 2022-04-29. Review status: criteria provided, single submitter. Criteria: Invitae Variant Classification Sherloc (09022015). Collection method: clinical testing. Allele origin: germline.
Comment: Algorithms developed to predict the effect of missense changes on protein structure and function are either unavailable or do not agree on the potential impact of this missense change (SIFT: "Deleterious"; PolyPhen-2: "Probably Damaging"; Align-GVGD: "Class C0"). In summary, the available evidence is currently insufficient to determine the role of this variant in disease. Therefore, it has been classified as a Variant of Uncertain Significance. This variant has not been reported in the literature in individuals affected with PRF1-related conditions. This variant is not present in population databases (gnomAD no frequency). This sequence change replaces leucine, which is neutral and non-polar, with arginine, which is basic and polar, at codon 427 of the PRF1 protein (p.Leu427Arg).

NM_001083116.3(PRF1):c.1280T>G (p.Leu427Arg)

Gene: PRF1 (perforin 1; minus strand). Cytogenetic location: 10q22.1.
Variant type: single nucleotide variant.
Coding change: c.1280T>G on transcript NM_001083116.3 (MANE Select); coding-DNA position 1280, T replaced by G.
Protein change: p.Leu427Arg; replaces leucine 427 with arginine.
Molecular consequence: missense variant.
Genome position (GRCh38, 1-based): chr10:70,598,441, A>C on the plus strand (T>G on the coding strand, the complement: PRF1 is on the minus strand). VCF-style: chr10-70598441-A-C. GRCh37 (hg19) VCF-style: chr10-72358197-A-C.
Other names: c.1280T>G, p.Leu427Arg (NM_005041.6); short protein forms L427R.
Identifiers: ClinVar variation 2115264 (VCV002115264.4), dbSNP rs2493482820, ClinGen allele CA376956195.